The following is an entry in ClinVar:

NM_005677.4(COLQ):c.321+308G>T

Gene: COLQ (collagen like tail subunit of asymmetric acetylcholinesterase; minus strand). Cytogenetic location: 3p25.1.
Variant type: single nucleotide variant.
Coding change: c.321+308G>T on transcript NM_005677.4 (MANE Select); 308 bases into the intron after coding-DNA position 321, G replaced by T.
Molecular consequence: intron variant.
Genome position (GRCh38, 1-based): chr3:15,487,898, C>A on the plus strand (G>T on the coding strand, the complement: COLQ is on the minus strand). VCF-style: chr3-15487898-C-A. GRCh37 (hg19) VCF-style: chr3-15529405-C-A.
Other names: c.219+1627G>T (NM_080539.4); c.291+308G>T (NM_080538.2).
Identifiers: ClinVar variation 668110 (VCV000668110.2), dbSNP rs2124491, ClinGen allele CA11352897.

ClinVar aggregate classification (germline): Benign. Review status: criteria provided, multiple submitters, no conflicts (2 of 4 stars). 2 submissions from 2 submitters: Benign (2). Last evaluated 2018-06-19.

Allele frequency attached by ClinVar (database versions not stated): gnomAD 0.37312 and 0.37423; TOPMed 0.37651; 1000 Genomes Project 30x 0.38570; 1000 Genomes Project 0.38778.
gnomAD v4.1: 57,059 of 151,916 alleles (38%); highest among the groups gnomAD compares: East Asian, 51%; 10,889 homozygotes.

Submissions (2):

GeneDx
Classification: Benign. Last evaluated: 2018-06-19. Review status: criteria provided, single submitter. Criteria: GeneDx Variant Classification (06012015). Collection method: clinical testing. Allele origin: germline. Affected: yes.
Comment: This variant is considered likely benign or benign based on one or more of the following criteria: it is a conservative change, it occurs at a poorly conserved position in the protein, it is predicted to be benign by multiple in silico algorithms, and/or has population frequency not consistent with disease.

Breakthrough Genomics
Classification: Benign. Review status: criteria provided, single submitter. Criteria: ACMG Guidelines, 2015. Collection method: not provided. Allele origin: germline. Inheritance: Autosomal recessive inheritance. Affected: yes.